The following is an entry in ClinVar:

ClinVar aggregate classification (germline): Pathogenic (1 of 4 stars; one submission).

Conditions:
Duchenne muscular dystrophy (DMD). Also called: Duchenne Muscular Dystrophy (DMD); MUSCULAR DYSTROPHY, PSEUDOHYPERTROPHIC PROGRESSIVE, DUCHENNE TYPE. Identifiers: Orphanet 98896, MedGen C0013264, MONDO:0010679, OMIM 310200.

Submission:

Labcorp Genetics (formerly Invitae), Labcorp
Classification: Pathogenic for Duchenne muscular dystrophy. Last evaluated: 2023-11-21. Review status: criteria provided, single submitter. Criteria: Invitae Variant Classification Sherloc (09022015). Collection method: clinical testing. Allele origin: germline.
Comment: This variant is a gross deletion of the genomic region encompassing exon(s) 44 of the DMD gene. This deletion is out-of-frame, and is expected to create a premature termination codon and result in an absent or disrupted protein product. Loss-of-function variants in DMD are known to be pathogenic (PMID: 16770791, 25007885). A similar copy number variant has been observed in individual(s) with Duchenne muscular dystrophy (PMID: 1363782, 9800909, 15723292, 18752307, 19449031, 22894145, 23299919, 24217213, 25244321, 25434822). In at least one individual the variant was observed to be de novo. For these reasons, this variant has been classified as Pathogenic.

Literature cited by the submitters: PubMed 16770791; PubMed 25007885; PubMed 1363782; PubMed 9800909; PubMed 15723292; PubMed 18752307; PubMed 19449031; PubMed 22894145; PubMed 23299919; PubMed 24217213; PubMed 25244321; PubMed 25434822.

NC_000023.11:g.(?_32216896)_(32217083_?)del

Gene: DMD (dystrophin; minus strand). Cytogenetic location: Xp21.1.
Variant type: Deletion.
Identifiers: ClinVar variation 526178 (VCV000526178.8).